The following is an entry in ClinVar:

ClinVar aggregate classification (germline): Uncertain significance. Review status: criteria provided, multiple submitters, no conflicts (2 of 4 stars). 3 submissions from 3 submitters: Uncertain significance (3). Last evaluated 2022-06-20.

Conditions:
Muscular dystrophy-dystroglycanopathy (congenital with brain and eye anomalies), type a, 11 (MDDGA11). Also called: WALKER-WARBURG SYNDROME OR MUSCLE-EYE-BRAIN DISEASE, B3GALNT2-RELATED; Muscular dystrophy-dystroglycanopathy (congenital with brain and eye anomalies, type A, 11; Congenital muscular dystrophy-dystroglycanopathy with brain and eye anomalies, type A11. Identifiers: Orphanet 588, Orphanet 899, MedGen C3554638, MONDO:0014071, OMIM 615181.

Submissions (3):

Labcorp Genetics (formerly Invitae), Labcorp
Classification: Uncertain significance for Muscular dystrophy-dystroglycanopathy (congenital with brain and eye anomalies), type a, 11. Last evaluated: 2022-06-20. Review status: criteria provided, single submitter. Criteria: Invitae Variant Classification Sherloc (09022015). Collection method: clinical testing. Allele origin: germline.
Comment: This variant, c.94_96del, results in the deletion of 1 amino acid(s) of the B3GALNT2 protein (p.Ser32del), but otherwise preserves the integrity of the reading frame. This variant is not present in population databases (gnomAD no frequency). This variant has not been reported in the literature in individuals affected with B3GALNT2-related conditions. ClinVar contains an entry for this variant (Variation ID: 1310079). Experimental studies and prediction algorithms are not available or were not evaluated, and the functional significance of this variant is currently unknown. In summary, the available evidence is currently insufficient to determine the role of this variant in disease. Therefore, it has been classified as a Variant of Uncertain Significance.

Blueprint Genetics
Classification: Uncertain significance. Last evaluated: 2020-03-16. Review status: criteria provided, single submitter. Criteria: ACMG Guidelines, 2015. Collection method: clinical testing. Allele origin: germline.

GeneDx
Classification: Uncertain significance. Last evaluated: 2019-11-12. Review status: criteria provided, single submitter. Criteria: GeneDx Variant Classification Process June 2021. Collection method: clinical testing. Allele origin: germline. Affected: yes.
Comment: Not observed in large population cohorts (Lek et al., 2016); In-frame deletion of 1 amino acids in a non-repeat region; In silico analysis, which includes protein predictors and evolutionary conservation, supports that this variant does not alter protein structure/function; Has not been previously published as pathogenic or benign to our knowledge

NM_152490.5(B3GALNT2):c.94_96del (p.Ser32del)

Gene: B3GALNT2 (beta-1,3-N-acetylgalactosaminyltransferase 2; minus strand). Cytogenetic location: 1q42.3.
Variant type: Deletion.
Coding change: c.94_96del on transcript NM_152490.5 (MANE Select); coding-DNA positions 94 to 96, 3 bases deleted (TCC; older notation c.94_96delTCC).
Protein change: p.Ser32del; deletes serine 32.
Molecular consequence: inframe deletion.
Genome position (GRCh38, 1-based): chr1:235,504,157-235,504,159, GGA deleted on the plus strand (TCC on the coding strand, the reverse complement: B3GALNT2 is on the minus strand); deleting any 3 consecutive bases within chr1:235,504,157-235,504,161 gives the same sequence; the c. name uses the placement nearest the transcript's 3' end. VCF-style (leftmost placement, unchanged base first): chr1-235504156-CGGA-C. GRCh37 (hg19) VCF-style: chr1-235667456-CGGA-C.
Other names: c.94_96del, p.Ser32del (NM_001277155.3); short protein forms S32del.
Identifiers: ClinVar variation 1310079 (VCV001310079.7), dbSNP rs1169838120, ClinGen allele CA733130934.